The following is an entry in ClinVar:

NM_001367624.2(ZNF469):c.9902G>T (p.Ser3301Ile)

Gene: ZNF469 (zinc finger protein 469; plus strand). Cytogenetic location: 16q24.2.
Variant type: single nucleotide variant.
Coding change: c.9902G>T on transcript NM_001367624.2 (MANE Select); coding-DNA position 9902, G replaced by T.
Protein change: p.Ser3301Ile; replaces serine 3301 with isoleucine.
Molecular consequence: missense variant.
Genome position (GRCh38, 1-based): chr16:88,437,372, G>T. VCF-style: chr16-88437372-G-T. GRCh37 (hg19) VCF-style: chr16-88503780-G-T.
Other names: p.Ser3301Ile; short protein forms S3301I.
Identifiers: ClinVar variation 2683382 (VCV002683382.1), dbSNP rs1472267071, ClinGen allele CA397125062.

ClinVar aggregate classification (germline): Uncertain significance (1 of 4 stars; one submission).

Allele frequency attached by ClinVar (database versions not stated): gnomAD 0.00001.
gnomAD v4.1: 1 of 1,539,508 alleles (0.000065%); highest among the groups gnomAD compares: African/African-American, 0.0014%; no homozygotes.

Submission:

Mayo Clinic Laboratories, Mayo Clinic
Classification: Uncertain significance. Last evaluated: 2023-01-31. Review status: criteria provided, single submitter. Criteria: ACMG Guidelines, 2015. Collection method: clinical testing. Allele origin: germline. Observed: 1 variant allele.
Comment: BP4, PM2_supporting